The following is an entry in ClinVar:

ClinVar aggregate classification (germline): Uncertain significance (1 of 4 stars; one submission).

Conditions:
Hereditary cancer-predisposing syndrome. Also called: Neoplastic Syndromes, Hereditary; Hereditary Cancer Syndrome; Tumor predisposition; Hereditary neoplastic syndrome. Identifiers: Orphanet 140162, MedGen C0027672, MeSH D009386, MONDO:0015356.

Submission:

Ambry Genetics
Classification: Uncertain significance for Hereditary cancer-predisposing syndrome. Last evaluated: 2022-12-09. Review status: criteria provided, single submitter. Criteria: Ambry Variant Classification Scheme 2023. Collection method: clinical testing. Allele origin: germline.
Comment: The p.R202T variant (also known as c.605G>C), located in coding exon 6 of the MRE11A gene, results from a G to C substitution at nucleotide position 605. The arginine at codon 202 is replaced by threonine, an amino acid with similar properties. This amino acid position is conserved. In addition, this alteration is predicted to be deleterious by in silico analysis. Since supporting evidence is limited at this time, the clinical significance of this alteration remains unclear.

NM_005591.4(MRE11):c.605G>C (p.Arg202Thr)

Gene: MRE11 (MRE11 double strand break repair nuclease; minus strand). Cytogenetic location: 11q21.
Variant type: single nucleotide variant.
Coding change: c.605G>C on transcript NM_005591.4 (MANE Select); coding-DNA position 605, G replaced by C.
Protein change: p.Arg202Thr; replaces arginine 202 with threonine.
Molecular consequence: missense variant.
Genome position (GRCh38, 1-based): chr11:94,476,343, C>G on the plus strand (G>C on the coding strand, the complement: MRE11 is on the minus strand). VCF-style: chr11-94476343-C-G. GRCh37 (hg19) VCF-style: chr11-94209509-C-G.
Other names: c.605G>C, p.Arg202Thr (NM_001330347.2, NM_005590.4); short protein forms R202T.
Identifiers: ClinVar variation 2446997 (VCV002446997.2), dbSNP rs1555014514, ClinGen allele CA382376805.